The following is an entry in ClinVar:

ClinVar aggregate classification (germline): Likely benign (0 of 4 stars; one submission).

Conditions:
PLXNA4-related disorder. Also called: PLXNA4-related condition.

Allele frequency attached by ClinVar (database versions not stated): gnomAD exomes below 0.00001; ExAC 0.00001; gnomAD 0.00001.
gnomAD v4.1: 3 of 1,613,182 alleles (0.00019%); highest among the groups gnomAD compares: Middle Eastern, 0.016%; no homozygotes.

Submission:

PreventionGenetics, part of Exact Sciences
Classification: Likely benign for PLXNA4-related condition. Last evaluated: 2022-02-10. Review status: no assertion criteria provided. Collection method: clinical testing. Allele origin: germline.
Comment: This variant is classified as likely benign based on ACMG/AMP sequence variant interpretation guidelines (Richards et al. 2015 PMID: 25741868, with internal and published modifications).

NM_020911.2(PLXNA4):c.1578C>T (p.His526=)

Gene: PLXNA4 (plexin A4; minus strand). Cytogenetic location: 7q32.3.
Variant type: single nucleotide variant.
Coding change: c.1578C>T on transcript NM_020911.2 (MANE Select); coding-DNA position 1578, C replaced by T.
Protein change: p.His526=; no amino-acid change (histidine 526 retained).
Molecular consequence: synonymous variant.
Genome position (GRCh38, 1-based): chr7:132,241,092, G>A on the plus strand (C>T on the coding strand, the complement: PLXNA4 is on the minus strand). VCF-style: chr7-132241092-G-A. GRCh37 (hg19) VCF-style: chr7-131925851-G-A.
Other names: c.1578C>T, p.His526= (NM_001393897.1).
Identifiers: ClinVar variation 3030248 (VCV003030248.2), dbSNP rs749101091, ClinGen allele CA4490097.